The following is an entry in ClinVar:

NM_138393.4(REEP6):c.191T>C (p.Val64Ala)

Gene: REEP6 (receptor accessory protein 6; plus strand). Cytogenetic location: 19p13.3.
Variant type: single nucleotide variant.
Coding change: c.191T>C on transcript NM_138393.4 (MANE Select); coding-DNA position 191, T replaced by C.
Protein change: p.Val64Ala; replaces valine 64 with alanine.
Molecular consequence: missense variant.
Genome position (GRCh38, 1-based): chr19:1,495,369, T>C. VCF-style: chr19-1495369-T-C. GRCh37 (hg19) VCF-style: chr19-1495368-T-C.
Other names: c.191T>C, p.Val64Ala (NM_001329556.3); short protein forms V64A.
Identifiers: ClinVar variation 1511664 (VCV001511664.3), dbSNP rs2145477585, ClinGen allele CA403056510.

ClinVar aggregate classification (germline): Uncertain significance (1 of 4 stars; one submission).

Submission:

Labcorp Genetics (formerly Invitae), Labcorp
Classification: Uncertain significance. Last evaluated: 2022-02-09. Review status: criteria provided, single submitter. Criteria: Invitae Variant Classification Sherloc (09022015). Collection method: clinical testing. Allele origin: germline.
Comment: This sequence change replaces valine, which is neutral and non-polar, with alanine, which is neutral and non-polar, at codon 64 of the REEP6 protein (p.Val64Ala). This variant is not present in population databases (gnomAD no frequency). This variant has not been reported in the literature in individuals affected with REEP6-related conditions. Experimental studies and prediction algorithms are not available or were not evaluated, and the functional significance of this variant is currently unknown. In summary, the available evidence is currently insufficient to determine the role of this variant in disease. Therefore, it has been classified as a Variant of Uncertain Significance.